The following is an entry in ClinVar:

NM_007294.4(BRCA1):c.1483_1498del (p.Glu495fs)

Gene: BRCA1 (BRCA1 DNA repair associated; minus strand). Cytogenetic location: 17q21.31.
Variant type: Deletion.
Coding change: c.1483_1498del on transcript NM_007294.4 (MANE Select); coding-DNA positions 1483 to 1498, 16 bases deleted (GAGCGTCCCCTCACAA).
Protein change: p.Glu495fs; shifts the reading frame from glutamic acid 495.
Molecular consequence: frameshift variant. On other transcripts: intron variant (137).
Genome position (GRCh38, 1-based): chr17:43,094,033-43,094,048, TTGTGAGGGGACGCTC deleted on the plus strand (GAGCGTCCCCTCACAA on the coding strand, the reverse complement: BRCA1 is on the minus strand); deleting any 16 consecutive bases within chr17:43,094,033-43,094,052 gives the same sequence; the c. name uses the placement nearest the transcript's 3' end. VCF-style (leftmost placement, unchanged base first): chr17-43094032-TTTGTGAGGGGACGCTC-T. GRCh37 (hg19) VCF-style: chr17-41246049-TTTGTGAGGGGACGCTC-T.
Other names: c.1483_1498delGAGCGTCCCCTCACAA (NM_007294.3); c.1360_1375del, p.Glu454fs (NM_001407648.1, NM_001407664.1, NM_001407665.1 and 19 more transcripts); c.1357_1372del, p.Glu453fs (NM_001407649.1, NM_001407670.1, NM_001407671.1 and 11 more transcripts); c.1483_1498del, p.Glu495fs (NM_001407652.1, NM_001407684.1, NM_001407854.1 and 30 more transcripts); c.1405_1420del, p.Glu469fs (NM_001407653.1, NM_001407654.1, NM_001407655.1 and 4 more transcripts); c.1402_1417del, p.Glu468fs (NM_001407659.1, NM_001407660.1, NM_001407661.1 and 1 more transcripts); c.1342_1357del, p.Glu448fs (NM_001407692.1, NM_001407694.1, NM_001407695.1 and 29 more transcripts); c.1339_1354del, p.Glu447fs (NM_001407740.1, NM_001407741.1, NM_001407742.1 and 20 more transcripts); and 41 more; short protein forms E495fs, E448fs, E368fs, E424fs, E447fs, E454fs, E494fs, E199fs.
Identifiers: ClinVar variation 54266 (VCV000054266.12), dbSNP rs397508872, ClinGen allele CA000992.

ClinVar aggregate classification (germline): Pathogenic. Review status: reviewed by expert panel (3 of 4 stars). 4 submissions from 4 submitters: Pathogenic (1). 3 of the submissions do not count toward it. Last evaluated 2016-09-08.

Conditions:
Hereditary breast ovarian cancer syndrome. Also called: Hereditary breast and ovarian cancer syndrome (HBOC); Hereditary breast and ovarian cancer syndrome; Hereditary breast and ovarian cancer; Hereditary breast and/or ovarian cancer syndrome; Breast and ovarian cancer; BRCA1- and BRCA2-Associated Hereditary Breast and Ovarian Cancer. Identifiers: Orphanet 145, MedGen C0677776, MeSH D061325, MONDO:0003582. Disease mechanism: loss of function.
Breast-ovarian cancer, familial, susceptibility to, 1 (BROVCA1). Also called: OVARIAN CANCER, SUSCEPTIBILITY TO; BRCA1 Hereditary Breast and Ovarian Cancer. Identifiers: Orphanet 145, MedGen C2676676, MONDO:0011450, OMIM 604370. Disease mechanism: loss of function.

Submissions (4):

Evidence-based Network for the Interpretation of Germline Mutant Alleles (ENIGMA)
Classification: Pathogenic for Breast-ovarian cancer, familial, susceptibility to, 1. Last evaluated: 2016-09-08. Review status: reviewed by expert panel. Criteria: ENIGMA BRCA1/2 Classification Criteria (2015). Collection method: curation. Allele origin: germline.
Comment: Variant allele predicted to encode a truncated non-functional protein.

Labcorp Genetics (formerly Invitae), Labcorp
Classification: Pathogenic for Hereditary breast ovarian cancer syndrome. Last evaluated: 2021-09-10. Review status: criteria provided, single submitter. Criteria: Invitae Variant Classification Sherloc (09022015). Collection method: clinical testing. Allele origin: germline. Not counted in ClinVar's aggregate classification.
Comment: This sequence change creates a premature translational stop signal (p.Glu495Ilefs*3) in the BRCA1 gene. It is expected to result in an absent or disrupted protein product. Loss-of-function variants in BRCA1 are known to be pathogenic (PMID: 20104584). This variant is not present in population databases (ExAC no frequency). This premature translational stop signal has been observed in individual(s) with clinical features of hereditary breast and ovarian cancer syndrome (PMID: 9150149). This variant is also known as 1599del16 (ter497). ClinVar contains an entry for this variant (Variation ID: 54266). For these reasons, this variant has been classified as Pathogenic.

Consortium of Investigators of Modifiers of BRCA1/2 (CIMBA), c/o University of Cambridge
Classification: Pathogenic for Breast-ovarian cancer, familial, susceptibility to, 1. Last evaluated: 2015-10-02. Review status: criteria provided, single submitter. Criteria: CIMBA Mutation Classification guidelines May 2016. Collection method: clinical testing. Allele origin: germline. Not counted in ClinVar's aggregate classification.

Research Molecular Genetics Laboratory, Women's College Hospital, University of Toronto
Classification: Pathogenic for Hereditary breast ovarian cancer syndrome. Last evaluated: 2014-01-31. Review status: no assertion criteria provided. Collection method: research. Allele origin: germline. Affected: yes. Study: The Canadian Open Genetics Repository (COGR). Not counted in ClinVar's aggregate classification.

Literature cited by the submitters: PubMed 20104584 (cited by Labcorp Genetics (formerly Invitae), Labcorp); PubMed 9150149 (cited by Labcorp Genetics (formerly Invitae), Labcorp).